The following is an entry in ClinVar:

NM_001370259.2(MEN1):c.340A>C (p.Ser114Arg)

Gene: MEN1 (menin 1; minus strand). Cytogenetic location: 11q13.1.
Variant type: single nucleotide variant.
Coding change: c.340A>C on transcript NM_001370259.2 (MANE Select); coding-DNA position 340, A replaced by C.
Protein change: p.Ser114Arg; replaces serine 114 with arginine.
Molecular consequence: missense variant.
Genome position (GRCh38, 1-based): chr11:64,809,770, T>G on the plus strand (A>C on the coding strand, the complement: MEN1 is on the minus strand). VCF-style: chr11-64809770-T-G. GRCh37 (hg19) VCF-style: chr11-64577242-T-G.
Other names: c.340A>C, p.Ser114Arg (NM_000244.4, NM_001370251.2, NM_001370260.2 and 9 more transcripts); short protein forms S114R.
Identifiers: ClinVar variation 1392757 (VCV001392757.8), dbSNP rs2136182944, ClinGen allele CA381187375.

ClinVar aggregate classification (germline): Uncertain significance (1 of 4 stars; one submission).

Conditions:
Multiple endocrine neoplasia, type 1 (MEN1). Also called: MEN I; WERMER SYNDROME; Endocrine adenomatosis multiple; MEN 1; MEA I. Identifiers: Orphanet 652, MedGen C0025267, MeSH D018761, MONDO:0007540, OMIM 131100.

Submission:

Labcorp Genetics (formerly Invitae), Labcorp
Classification: Uncertain significance for Multiple endocrine neoplasia, type 1. Last evaluated: 2024-08-28. Review status: criteria provided, single submitter. Criteria: Invitae Variant Classification Sherloc (09022015). Collection method: clinical testing. Allele origin: germline.
Comment: This sequence change replaces serine, which is neutral and polar, with arginine, which is basic and polar, at codon 114 of the MEN1 protein (p.Ser114Arg). This variant is not present in population databases (gnomAD no frequency). This variant has not been reported in the literature in individuals affected with MEN1-related conditions. ClinVar contains an entry for this variant (Variation ID: 1392757). Invitae Evidence Modeling of protein sequence and biophysical properties (such as structural, functional, and spatial information, amino acid conservation, physicochemical variation, residue mobility, and thermodynamic stability) indicates that this missense variant is expected to disrupt MEN1 protein function with a positive predictive value of 95%. In summary, the available evidence is currently insufficient to determine the role of this variant in disease. Therefore, it has been classified as a Variant of Uncertain Significance.